The following is an entry in ClinVar:

NM_001378457.1(DMXL2):c.5204A>G (p.Lys1735Arg)

Gene: DMXL2 (Dmx like 2; minus strand). Cytogenetic location: 15q21.2.
Variant type: single nucleotide variant.
Coding change: c.5204A>G on transcript NM_001378457.1 (MANE Select); coding-DNA position 5204, A replaced by G.
Protein change: p.Lys1735Arg; replaces lysine 1735 with arginine.
Molecular consequence: missense variant. On other transcripts: non-coding transcript variant (2).
Genome position (GRCh38, 1-based): chr15:51,487,967, T>C on the plus strand (A>G on the coding strand, the complement: DMXL2 is on the minus strand). VCF-style: chr15-51487967-T-C. GRCh37 (hg19) VCF-style: chr15-51780164-T-C.
Other names: c.5204A>G, p.Lys1735Arg (NM_001174116.3, NM_001378458.1, NM_001378459.1 and 4 more transcripts); c.3296A>G, p.Lys1099Arg (NM_001174117.3); c.3185A>G, p.Lys1062Arg (NM_001378460.1); c.4964A>G, p.Lys1655Arg (NM_001378464.1); short protein forms K1062R, K1099R, K1655R, K1735R.
Identifiers: ClinVar variation 4687780 (VCV004687780.1).

ClinVar aggregate classification (germline): Uncertain significance (1 of 4 stars; one submission).

Submission:

Women's Health and Genetics/Laboratory Corporation of America, LabCorp
Classification: Uncertain significance. Last evaluated: 2025-10-24. Review status: criteria provided, single submitter. Criteria: LabCorp Variant Classification Summary - May 2015. Collection method: clinical testing. Allele origin: germline.
Comment: Variant summary: DMXL2 c.5204A>G (p.Lys1735Arg) results in a conservative amino acid change located in the RAVE complex protein Rav1 C-terminal domain (IPR022033) of the encoded protein sequence. Algorithms developed to predict the effect of missense changes on protein structure and function are either unavailable or do not agree on the potential impact of this missense change. The variant was absent in 247096 control chromosomes. The available data on variant occurrences in the general population are insufficient to allow any conclusion about variant significance. To our knowledge, no occurrence of c.5204A>G in individuals affected with DMXL2-related conditions and no experimental evidence demonstrating its impact on protein function have been reported. No submitters have cited clinical-significance assessments for this variant to ClinVar. Based on the evidence outlined above, the variant was classified as uncertain significance.